The following is an entry in ClinVar:

NM_025099.6(CTC1):c.2758+1G>T

Gene: CTC1 (CST telomere replication complex component 1; minus strand). Cytogenetic location: 17p13.1.
Variant type: single nucleotide variant.
Coding change: c.2758+1G>T on transcript NM_025099.6 (MANE Select); the canonical splice donor site of the intron after coding-DNA position 2758, G replaced by T.
Molecular consequence: splice donor variant.
Genome position (GRCh38, 1-based): chr17:8,230,562, C>A on the plus strand (G>T on the coding strand, the complement: CTC1 is on the minus strand). VCF-style: chr17-8230562-C-A. GRCh37 (hg19) VCF-style: chr17-8133880-C-A.
Other names: c.2758+1G>T (NM_001411067.1).
Identifiers: ClinVar variation 529185 (VCV000529185.9), dbSNP rs200609323, ClinGen allele CA8371986.

ClinVar aggregate classification (germline): Pathogenic/Likely pathogenic. Review status: criteria provided, multiple submitters, no conflicts (2 of 4 stars). 3 submissions from 3 submitters: Pathogenic (1); Likely pathogenic (2). Last evaluated 2025-10-14.

Conditions:
Cerebroretinal microangiopathy with calcifications and cysts 1 (CRMCC1). Identifiers: Orphanet 313838, MedGen C4552029, MONDO:0024564, OMIM 612199.
Dyskeratosis congenita. Identifiers: Orphanet 1775, MedGen C0265965, MONDO:0015780.

Allele frequency attached by ClinVar (database versions not stated): TOPMed below 0.00001; ExAC 0.00001; gnomAD 0.00002 and 0.00003; gnomAD exomes 0.00002; 1000 Genomes Project 30x 0.00016; 1000 Genomes Project 0.00020.
gnomAD v4.1: 30 of 1,614,040 alleles (0.0019%); highest among the groups gnomAD compares: Admixed American, 0.033%; no homozygotes.

Submissions (3):

Labcorp Genetics (formerly Invitae), Labcorp
Classification: Pathogenic for Dyskeratosis congenita. Last evaluated: 2025-10-14. Review status: criteria provided, single submitter. Criteria: Invitae Variant Classification Sherloc (09022015). Collection method: clinical testing. Allele origin: germline.
Comment: This sequence change affects a donor splice site in intron 16 of the CTC1 gene. It is expected to disrupt RNA splicing. Variants that disrupt the donor or acceptor splice site typically lead to a loss of protein function (PMID: 16199547), and loss-of-function variants in CTC1 are known to be pathogenic (PMID: 22267198, 22387016). This variant is present in population databases (rs200609323, gnomAD 0.01%). Disruption of this splice site has been observed in individual(s) with cerebral microangiopathy with calcifications and cysts (PMID: 25197929). In at least one individual the data is consistent with being in trans (on the opposite chromosome) from a pathogenic variant. ClinVar contains an entry for this variant (Variation ID: 529185). Algorithms developed to predict the effect of sequence changes on RNA splicing suggest that this variant may disrupt the consensus splice site. For these reasons, this variant has been classified as Pathogenic.

Sema4
Classification: Likely pathogenic for Dyskeratosis congenita. Last evaluated: 2020-12-08. Review status: criteria provided, single submitter. Criteria: Sema4 Curation Guidelines. Collection method: curation. Allele origin: germline.
Comment: The CTC1 c.2758+1G>T variant has been reported as compound heterozygous with c.2954_2956delGTT in at least 1 individual with bilateral and asymmetric exudative retinopathy with similarities to Coats' disease (PMID: 25197929). This variant is predicted to abolish the canonical splice site leading to an abnormal or absent protein. This variant was observed in 5/34520 chromosomes in the Latino population, with 0 homozygotes, according to the Genome Aggregation Database (PMID: 27535533). Based on the current evidence available, this variant is interpreted as likely pathogenic.

Fulgent Genetics
Classification: Likely pathogenic for Cerebroretinal microangiopathy with calcifications and cysts 1. Last evaluated: 2018-10-31. Review status: criteria provided, single submitter. Criteria: ACMG Guidelines, 2015. Collection method: clinical testing. Allele origin: unknown.

Literature cited by the submitters: PubMed 16199547 (cited by Labcorp Genetics (formerly Invitae), Labcorp); PubMed 22267198 (cited by Labcorp Genetics (formerly Invitae), Labcorp); PubMed 22387016 (cited by Labcorp Genetics (formerly Invitae), Labcorp); PubMed 25197929 (cited by Labcorp Genetics (formerly Invitae), Labcorp and Sema4).